The following is an entry in ClinVar:

NM_000062.3(SERPING1):c.1186del (p.Leu395_Leu396insTer)

Gene: SERPING1 (serpin family G member 1; plus strand). Cytogenetic location: 11q12.1.
Variant type: Deletion.
Coding change: c.1186del on transcript NM_000062.3 (MANE Select); coding-DNA position 1186, one base deleted (C; older notation c.1186delC).
Protein change: p.Leu395_Leu396insTer.
Molecular consequence: nonsense.
Genome position (GRCh38, 1-based): chr11:57,611,873, C deleted; the last of 2 consecutive C bases (chr11:57,611,872-57,611,873); deleting either gives the same sequence. VCF-style (leftmost placement, unchanged base first): chr11-57611871-TC-T. GRCh37 (hg19) VCF-style: chr11-57379344-TC-T.
Other names: c.1186del, p.Leu395_Leu396insTer (NM_001032295.2).
Identifiers: ClinVar variation 1299732 (VCV001299732.4), dbSNP rs2135324746, ClinGen allele CA2573147264.

ClinVar aggregate classification (germline): Pathogenic. Review status: criteria provided, single submitter (1 of 4 stars). 2 submissions from 2 submitters: Pathogenic (1). 1 of the submissions does not count toward it. Last evaluated 2023-09-05.

Conditions:
Hereditary angioedema with C1Inh deficiency. Identifiers: Orphanet 528623, MedGen C4552294, MONDO:0033946.

Submissions (2):

Labcorp Genetics (formerly Invitae), Labcorp
Classification: Pathogenic. Last evaluated: 2023-09-05. Review status: criteria provided, single submitter. Criteria: Invitae Variant Classification Sherloc (09022015). Collection method: clinical testing. Allele origin: germline.
Comment: For these reasons, this variant has been classified as Pathogenic. ClinVar contains an entry for this variant (Variation ID: 1299732). This premature translational stop signal has been observed in individual(s) with angioedema (PMID: 35821062). This variant is not present in population databases (gnomAD no frequency). This sequence change creates a premature translational stop signal (p.Leu396*) in the SERPING1 gene. It is expected to result in an absent or disrupted protein product. Loss-of-function variants in SERPING1 are known to be pathogenic (PMID: 11112899, 24456027).

Peking Union Medical College Hospital
Classification: Pathogenic for Hereditary angioedema with C1Inh deficiency. Last evaluated: 2021-09-25. Review status: no assertion criteria provided. Collection method: research. Allele origin: unknown. Affected: yes. Not counted in ClinVar's aggregate classification.

Literature cited by the submitters: PubMed 35821062 (cited by Labcorp Genetics (formerly Invitae), Labcorp); PubMed 11112899 (cited by Labcorp Genetics (formerly Invitae), Labcorp); PubMed 24456027 (cited by Labcorp Genetics (formerly Invitae), Labcorp).